The following is an entry in ClinVar:

NM_172107.4(KCNQ2):c.1545G>T (p.Glu515Asp)

Gene: KCNQ2 (potassium voltage-gated channel subfamily Q member 2; minus strand). Cytogenetic location: 20q13.33.
Variant type: single nucleotide variant.
Coding change: c.1545G>T on transcript NM_172107.4 (MANE Select); coding-DNA position 1545, G replaced by T.
Protein change: p.Glu515Asp; replaces glutamic acid 515 with aspartic acid.
Molecular consequence: missense variant.
Genome position (GRCh38, 1-based): chr20:63,414,174, C>A on the plus strand (G>T on the coding strand, the complement: KCNQ2 is on the minus strand). VCF-style: chr20-63414174-C-A. GRCh37 (hg19) VCF-style: chr20-62045527-C-A.
Other names: c.1461G>T, p.Glu487Asp (NM_004518.6); c.1491G>T, p.Glu497Asp (NM_172106.3); c.1452G>T, p.Glu484Asp (NM_172108.5); short protein forms E515D, E497D, E487D, E484D.
Identifiers: ClinVar variation 445484 (VCV000445484.13), dbSNP rs117067974, ClinGen allele CA9958409.

ClinVar aggregate classification (germline): Conflicting classifications of pathogenicity. Review status: criteria provided, conflicting classifications (1 of 4 stars). 3 submissions from 3 submitters: Uncertain significance (1); Likely benign (2). Last evaluated 2026-02-03.

Conditions:
Early-infantile DEE. Also called: Early infantile epileptic encephalopathy with suppression bursts; Early infantile epileptic encephalopathy; Ohtahara syndrome. Identifiers: Orphanet 1934, MedGen C0393706, MONDO:0800491.

Allele frequency attached by ClinVar (database versions not stated): ESP Exome Variant Server 0.00008; TOPMed 0.00003.
gnomAD v4.1: 86 of 1,613,490 alleles (0.0053%); highest among the groups gnomAD compares: Non-Finnish European, 0.0072%; 1 homozygote.

Submissions (3):

Labcorp Genetics (formerly Invitae), Labcorp
Classification: Likely benign for Early-infantile DEE. Last evaluated: 2026-02-03. Review status: criteria provided, single submitter. Criteria: Invitae Variant Classification Sherloc (09022015). Collection method: clinical testing. Allele origin: germline.

GeneDx
Classification: Likely benign. Last evaluated: 2018-01-04. Review status: criteria provided, single submitter. Criteria: GeneDx Variant Classification (06012015). Collection method: clinical testing. Allele origin: germline. Affected: yes.
Comment: This variant is considered likely benign or benign based on one or more of the following criteria: it is a conservative change, it occurs at a poorly conserved position in the protein, it is predicted to be benign by multiple in silico algorithms, and/or has population frequency not consistent with disease.

Center for Pediatric Genomic Medicine, Children's Mercy Hospital and Clinics
Classification: Uncertain significance. Last evaluated: 2017-06-20. Review status: criteria provided, single submitter. Criteria: ACMG Guidelines, 2015. Collection method: clinical testing. Allele origin: germline.